The following is an entry in ClinVar:

ClinVar aggregate classification (germline): Uncertain significance (1 of 4 stars; one submission).

Submission:

Women's Health and Genetics/Laboratory Corporation of America, LabCorp
Classification: Uncertain significance. Last evaluated: 2023-03-07. Review status: criteria provided, single submitter. Criteria: LabCorp Variant Classification Summary - May 2015. Collection method: clinical testing. Allele origin: germline.
Comment: Variant summary: RASA2 c.1751delA (p.Lys584SerfsX23) results in a premature termination codon, predicted to cause a truncation of the encoded protein or absence of the protein due to nonsense mediated decay. However, current evidence is not sufficient to establish whether loss-of-function variants in RASA2 cause disease. The variant allele was found at a frequency of 1.2e-05 in 167512 control chromosomes (gnomAD), however this sequence region did not pass the gnomAD quality control process. The available data on variant occurrences in the general population are insufficient to allow any conclusion about variant significance. To our knowledge, no occurrence of c.1751delA in individuals affected with Noonan Syndrome and no experimental evidence demonstrating its impact on protein function have been reported. No clinical diagnostic laboratories have submitted clinical-significance assessments for this variant to ClinVar after 2014. Based on the evidence outlined above, the variant was classified as uncertain significance.

NM_006506.5(RASA2):c.1751del (p.Lys584fs)

Gene: RASA2 (RAS p21 protein activator 2; plus strand). Cytogenetic location: 3q23.
Variant type: Deletion.
Coding change: c.1751del on transcript NM_006506.5 (MANE Select); coding-DNA position 1751, one base deleted (A; older notation c.1751delA).
Protein change: p.Lys584fs; shifts the reading frame from lysine 584.
Molecular consequence: frameshift variant.
Genome position (GRCh38, 1-based): chr3:141,581,176, A deleted; the last of 5 consecutive A bases (chr3:141,581,172-141,581,176); deleting any one gives the same sequence. VCF-style (leftmost placement, unchanged base first): chr3-141581171-TA-T. GRCh37 (hg19) VCF-style: chr3-141300013-TA-T.
Other names: c.1751del, p.Lys584fs (NM_001303245.3, NM_001303246.3); short protein forms K584fs.
Identifiers: ClinVar variation 2501178 (VCV002501178.1), dbSNP rs1322866568, ClinGen allele CA546550994.
Genomic context (GRCh38, chr3:141,581,171, plus strand): 5'-AGAGACATTCATGTGTGAATTTTTCAAAATGTTTCAAGAAGAAGGATATATTATAGCAGT[TA>T]AAAAGGTATGATGGTTTTATTCTGGAATTGTTAATATTTATTTCATATAACATGGGGAAA-3'